The following is an entry in ClinVar:

NM_020207.7(ERCC6L2):c.1216A>G (p.Thr406Ala)

Gene: ERCC6L2 (ERCC excision repair 6 like 2; plus strand). Cytogenetic location: 9q22.32.
Variant type: single nucleotide variant.
Coding change: c.1216A>G on transcript NM_020207.7 (MANE Select); coding-DNA position 1216, A replaced by G.
Protein change: p.Thr406Ala; replaces threonine 406 with alanine.
Molecular consequence: missense variant. On other transcripts: non-coding transcript variant (1).
Genome position (GRCh38, 1-based): chr9:95,921,232, A>G. VCF-style: chr9-95921232-A-G. GRCh37 (hg19) VCF-style: chr9-98683514-A-G.
Other names: c.1216A>G, p.Thr406Ala (NM_001010895.4, NM_001375291.1, NM_001375292.1 and 2 more transcripts); short protein forms T406A.
Identifiers: ClinVar variation 4870611 (VCV004870611.1).

ClinVar aggregate classification (germline): Uncertain significance (1 of 4 stars; one submission).

Conditions:
Inborn genetic diseases. Identifiers: MedGen C0950123, MeSH D030342.

gnomAD v4.1: 1 of 1,613,494 alleles (0.000062%); highest among the groups gnomAD compares: Non-Finnish European, 0.000085%; no homozygotes.

Submission:

Ambry Genetics
Classification: Uncertain significance for Inborn genetic diseases. Last evaluated: 2026-05-14. Review status: criteria provided, single submitter. Criteria: Ambry Variant Classification Scheme 2023. Collection method: clinical testing. Allele origin: germline.
Comment: The p.T406A variant (also known as c.1216A>G), located in coding exon 7 of the ERCC6L2 gene, results from an A to G substitution at nucleotide position 1216. The threonine at codon 406 is replaced by alanine, an amino acid with similar properties. This amino acid position is conserved. In addition, the in silico prediction for this alteration is inconclusive. Based on the available evidence, the clinical significance of this variant remains unclear.